The following is an entry in ClinVar:

NM_015346.4(ZFYVE26):c.4955C>T (p.Ala1652Val)

Gene: ZFYVE26 (zinc finger FYVE-type containing 26; minus strand). Cytogenetic location: 14q24.1.
Variant type: single nucleotide variant.
Coding change: c.4955C>T on transcript NM_015346.4 (MANE Select); coding-DNA position 4955, C replaced by T.
Protein change: p.Ala1652Val; replaces alanine 1652 with valine.
Molecular consequence: missense variant.
Genome position (GRCh38, 1-based): chr14:67,777,578, G>A on the plus strand (C>T on the coding strand, the complement: ZFYVE26 is on the minus strand). VCF-style: chr14-67777578-G-A. GRCh37 (hg19) VCF-style: chr14-68244295-G-A.
Other names: short protein forms A1652V.
Identifiers: ClinVar variation 499727 (VCV000499727.11), dbSNP rs752388667, ClinGen allele CA7239636.
Genomic context (GRCh38, chr14:67,777,578, plus strand): 5'-GATCCCACATACAGCGCCTGGATTTCACGGTGTATCCTTACCTTGGATCCCACATACAGC[G>A]CCTGGATTTCACGGTGTCGGACAGCAGTCAGTTGTCCATAGAAGTGGGTGGTGAGGTAGT-3'
Protein context (NP_056161.2, residues 1642-1662): LTAVRHREIQ[Ala1652Val]LYVGSKILLT

ClinVar aggregate classification (germline): Uncertain significance. Review status: criteria provided, multiple submitters, no conflicts (2 of 4 stars). 4 submissions from 4 submitters: Uncertain significance (4). Last evaluated 2024-01-03.

Conditions:
Inborn genetic diseases. Identifiers: MedGen C0950123, MeSH D030342.
Hereditary spastic paraplegia. Also called: Familial spastic paraparesis. Identifiers: Orphanet 685, MedGen C0037773, MONDO:0019064. Disease mechanism: loss of function.
Spastic paraplegia. Identifiers: MedGen C0037772, HP:0001258.

Allele frequency attached by ClinVar (database versions not stated): gnomAD 0.00003 and 0.00004; gnomAD exomes 0.00003 and 0.00005; ExAC 0.00004; TOPMed 0.00005.
gnomAD v4.1: 51 of 1,613,796 alleles (0.0032%); highest among the groups gnomAD compares: South Asian, 0.018%; no homozygotes.

Submissions (4):

Ambry Genetics
Classification: Uncertain significance for Inborn genetic diseases. Last evaluated: 2024-01-03. Review status: criteria provided, single submitter. Criteria: Ambry Variant Classification Scheme 2023. Collection method: clinical testing. Allele origin: germline.

Labcorp Genetics (formerly Invitae), Labcorp
Classification: Uncertain significance for Spastic paraplegia. Last evaluated: 2022-07-25. Review status: criteria provided, single submitter. Criteria: Invitae Variant Classification Sherloc (09022015). Collection method: clinical testing. Allele origin: germline.
Comment: This sequence change replaces alanine, which is neutral and non-polar, with valine, which is neutral and non-polar, at codon 1652 of the ZFYVE26 protein (p.Ala1652Val). This variant is present in population databases (rs752388667, gnomAD 0.04%). This variant has not been reported in the literature in individuals affected with ZFYVE26-related conditions. ClinVar contains an entry for this variant (Variation ID: 499727). Algorithms developed to predict the effect of missense changes on protein structure and function are either unavailable or do not agree on the potential impact of this missense change (SIFT: "Tolerated"; PolyPhen-2: "Possibly Damaging"; Align-GVGD: "Class C0"). Algorithms developed to predict the effect of sequence changes on RNA splicing suggest that this variant may create or strengthen a splice site. In summary, the available evidence is currently insufficient to determine the role of this variant in disease. Therefore, it has been classified as a Variant of Uncertain Significance.

Eurofins Ntd Llc (ga)
Classification: Uncertain significance. Last evaluated: 2017-01-25. Review status: criteria provided, single submitter. Criteria: EGL Classification Definitions 2015. Collection method: clinical testing. Allele origin: germline. Observed: 1 variant allele, 1 heterozygote.

Genome Diagnostics Laboratory, The Hospital for Sick Children
Classification: Uncertain significance for Hereditary spastic paraplegia. Last evaluated: 2017-01-03. Review status: criteria provided, single submitter. Criteria: ACMG Guidelines, 2015. Collection method: clinical testing. Allele origin: germline. Affected: yes.